The following is an entry in ClinVar:

ClinVar aggregate classification (germline): Benign. Review status: criteria provided, multiple submitters, no conflicts (2 of 4 stars). 3 submissions from 3 submitters: Benign (3). Last evaluated 2023-11-12.

Allele frequency attached by ClinVar (database versions not stated): 1000 Genomes Project 0.88359; TOPMed 0.89239; 1000 Genomes Project 30x 0.88616.
gnomAD v4.1: 1,193,949 of 1,347,586 alleles (89%); highest among the groups gnomAD compares: African/African-American, 91%; 529,193 homozygotes.

Submissions (3):

Unidad de Genómica Garrahan, Hospital de Pediatría Garrahan
Classification: Benign. Last evaluated: 2023-11-12. Review status: criteria provided, single submitter. Criteria: ACMG Guidelines, 2015. Collection method: clinical testing. Allele origin: germline. Affected: no. Observed: 60 variant alleles.
Comment: This variant is classified as Benign based on local population frequency. This variant was detected in 63% of patients studied by a panel of primary immunodeficiencies. Number of patients: 60. Only high quality variants are reported.

GeneDx
Classification: Benign. Last evaluated: 2018-06-26. Review status: criteria provided, single submitter. Criteria: GeneDx Variant Classification Process June 2021. Collection method: clinical testing. Allele origin: germline. Affected: yes.

Breakthrough Genomics
Classification: Benign. Review status: criteria provided, single submitter. Criteria: ACMG Guidelines, 2015. Collection method: not provided. Allele origin: germline. Inheritance: Autosomal recessive inheritance. Affected: yes.

NM_203447.4(DOCK8):c.894+80T>C

Gene: DOCK8 (dedicator of cytokinesis 8; plus strand). Cytogenetic location: 9p24.3.
Variant type: single nucleotide variant.
Coding change: c.894+80T>C on transcript NM_203447.4 (MANE Select); 80 bases into the intron after coding-DNA position 894, T replaced by C.
Molecular consequence: intron variant.
Genome position (GRCh38, 1-based): chr9:325,817, T>C. VCF-style: chr9-325817-T-C. GRCh37 (hg19) VCF-style: chr9-325817-T-C.
Other names: c.690+80T>C (NM_001193536.2, NM_001190458.2).
Identifiers: ClinVar variation 1291529 (VCV001291529.5), dbSNP rs2360277, ClinGen allele CA187748032.